The following is an entry in ClinVar:

ClinVar aggregate classification (germline): Uncertain significance. Review status: criteria provided, multiple submitters, no conflicts (2 of 4 stars). 2 submissions from 2 submitters: Uncertain significance (2). Last evaluated 2025-08-20.

Conditions:
Inborn genetic diseases. Identifiers: MedGen C0950123, MeSH D030342.
Polyglucosan body myopathy type 1 (PGBM1). Also called: Polyglucosan body myopathy 1 with or without immunodeficiency; POLYGLUCOSAN BODY MYOPATHY WITHOUT IMMUNODEFICIENCY. Identifiers: Orphanet 329173, Orphanet 397937, MedGen C4014605, MONDO:0014389, OMIM 615895.

Allele frequency attached by ClinVar (database versions not stated): gnomAD 0.00001; gnomAD exomes 0.00001 and 0.00003; TOPMed 0.00005.
gnomAD v4.1: 19 of 1,553,464 alleles (0.0012%); highest among the groups gnomAD compares: Admixed American, 0.016%; no homozygotes.

Submissions (2):

Ambry Genetics
Classification: Uncertain significance for Inborn genetic diseases. Last evaluated: 2025-08-20. Review status: criteria provided, single submitter. Criteria: Ambry Variant Classification Scheme 2023. Collection method: clinical testing. Allele origin: germline.

Labcorp Genetics (formerly Invitae), Labcorp
Classification: Uncertain significance for Polyglucosan body myopathy type 1. Last evaluated: 2022-05-30. Review status: criteria provided, single submitter. Criteria: Invitae Variant Classification Sherloc (09022015). Collection method: clinical testing. Allele origin: germline.
Comment: This sequence change replaces glutamine, which is neutral and polar, with arginine, which is basic and polar, at codon 267 of the RBCK1 protein (p.Gln267Arg). This variant is present in population databases (no rsID available, gnomAD 0.01%). This variant has not been reported in the literature in individuals affected with RBCK1-related conditions. ClinVar contains an entry for this variant (Variation ID: 958831). Algorithms developed to predict the effect of missense changes on protein structure and function are either unavailable or do not agree on the potential impact of this missense change (SIFT: "Not Available"; PolyPhen-2: "Benign"; Align-GVGD: "Not Available"). In summary, the available evidence is currently insufficient to determine the role of this variant in disease. Therefore, it has been classified as a Variant of Uncertain Significance.

NM_031229.4(RBCK1):c.800A>G (p.Gln267Arg)

Gene: RBCK1 (RANBP2-type and C3HC4-type zinc finger containing 1; plus strand). Cytogenetic location: 20p13.
Variant type: single nucleotide variant.
Coding change: c.800A>G on transcript NM_031229.4 (MANE Select); coding-DNA position 800, A replaced by G.
Protein change: p.Gln267Arg; replaces glutamine 267 with arginine.
Molecular consequence: missense variant. On other transcripts: non-coding transcript variant (1), intron variant (2).
Genome position (GRCh38, 1-based): chr20:420,914, A>G. VCF-style: chr20-420914-A-G. GRCh37 (hg19) VCF-style: chr20-401558-A-G.
Other names: c.674A>G, p.Gln225Arg (NM_006462.6); c.407+1183A>G (NM_001323956.2, NM_001323958.2); c.800A>G (NM_031229.2); short protein forms Q267R, Q225R.
Identifiers: ClinVar variation 958831 (VCV000958831.8), dbSNP rs1055669487, ClinGen allele CA310620655.